The following is an entry in ClinVar:

ClinVar aggregate classification (germline): Uncertain significance (1 of 4 stars; one submission).

Conditions:
Gorlin syndrome. Also called: Basal cell nevus syndrome; Nevoid Basal Cell Carcinoma Syndrome. Identifiers: Orphanet 377, MedGen C0004779, MONDO:0007187.

Submission:

Labcorp Genetics (formerly Invitae), Labcorp
Classification: Uncertain significance for Gorlin syndrome. Last evaluated: 2021-04-14. Review status: criteria provided, single submitter. Criteria: Invitae Variant Classification Sherloc (09022015). Collection method: clinical testing. Allele origin: germline.
Comment: In summary, the available evidence is currently insufficient to determine the role of this variant in disease. Therefore, it has been classified as a Variant of Uncertain Significance. Advanced modeling of protein sequence and biophysical properties (such as structural, functional, and spatial information, amino acid conservation, physicochemical variation, residue mobility, and thermodynamic stability) performed at Invitae indicates that this missense variant is not expected to disrupt PTCH1 protein function. This variant has not been reported in the literature in individuals with PTCH1-related conditions. This variant is not present in population databases (ExAC no frequency). This sequence change replaces serine with tyrosine at codon 66 of the PTCH1 protein (p.Ser66Tyr). The serine residue is weakly conserved and there is a large physicochemical difference between serine and tyrosine.

NM_000264.5(PTCH1):c.197C>A (p.Ser66Tyr)

Gene: PTCH1 (patched 1; minus strand). Cytogenetic location: 9q22.32.
Variant type: single nucleotide variant.
Coding change: c.197C>A on transcript NM_000264.5 (MANE Select); coding-DNA position 197, C replaced by A.
Protein change: p.Ser66Tyr; replaces serine 66 with tyrosine.
Molecular consequence: missense variant. On other transcripts: non-coding transcript variant (1), intron variant (3).
Genome position (GRCh38, 1-based): chr9:95,508,165, G>T on the plus strand (C>A on the coding strand, the complement: PTCH1 is on the minus strand). VCF-style: chr9-95508165-G-T. GRCh37 (hg19) VCF-style: chr9-98270447-G-T.
Other names: c.197C>A, p.Ser66Tyr (NM_001354918.2); c.199-1566C>A (NM_001083603.3); c.4-1566C>A (NM_001083602.3, NM_001354919.2); short protein forms S66Y.
Identifiers: ClinVar variation 1443460 (VCV001443460.8), dbSNP rs1025299062, ClinGen allele CA374121244.